The following is an entry in ClinVar:

NM_001354483.2(CSGALNACT1):c.366C>A (p.Ala122=)

Gene: CSGALNACT1 (chondroitin sulfate N-acetylgalactosaminyltransferase 1; minus strand). Cytogenetic location: 8p21.3.
Variant type: single nucleotide variant.
Coding change: c.366C>A on transcript NM_001354483.2 (MANE Select); coding-DNA position 366, C replaced by A.
Protein change: p.Ala122=; no amino-acid change (alanine 122 retained).
Molecular consequence: synonymous variant. On other transcripts: non-coding transcript variant (7).
Genome position (GRCh38, 1-based): chr8:19,505,469, G>T on the plus strand (C>A on the coding strand, the complement: CSGALNACT1 is on the minus strand). VCF-style: chr8-19505469-G-T. GRCh37 (hg19) VCF-style: chr8-19362980-G-T.
Other names: c.366C>A, p.Ala122= (NM_001130518.2, NM_001354475.2, NM_001354476.2 and 18 more transcripts).
Identifiers: ClinVar variation 3032819 (VCV003032819.3), dbSNP rs756785269, ClinGen allele CA4654271.

ClinVar aggregate classification (germline): Likely benign. Review status: criteria provided, single submitter (1 of 4 stars). 2 submissions from 2 submitters: Likely benign (1). 1 of the submissions does not count toward it. Last evaluated 2025-11-15.

Conditions:
CSGALNACT1-related disorder. Also called: CSGALNACT1-related condition.

Allele frequency attached by ClinVar (database versions not stated): gnomAD 0.00001; ExAC 0.00002; TOPMed 0.00002; gnomAD exomes 0.00003.
gnomAD v4.1: 43 of 1,614,078 alleles (0.0027%); highest among the groups gnomAD compares: Non-Finnish European, 0.0036%; no homozygotes.

Submissions (2):

Labcorp Genetics (formerly Invitae), Labcorp
Classification: Likely benign. Last evaluated: 2025-11-15. Review status: criteria provided, single submitter. Criteria: Invitae Variant Classification Sherloc (09022015). Collection method: clinical testing. Allele origin: germline.

PreventionGenetics, part of Exact Sciences
Classification: Likely benign for CSGALNACT1-related condition. Last evaluated: 2020-10-27. Review status: no assertion criteria provided. Collection method: clinical testing. Allele origin: germline. Not counted in ClinVar's aggregate classification.
Comment: This variant is classified as likely benign based on ACMG/AMP sequence variant interpretation guidelines (Richards et al. 2015 PMID: 25741868, with internal and published modifications).